The following is an entry in ClinVar:

ClinVar aggregate classification (germline): Uncertain significance (1 of 4 stars; one submission).

Submission:

Labcorp Genetics (formerly Invitae), Labcorp
Classification: Uncertain significance. Last evaluated: 2022-05-19. Review status: criteria provided, single submitter. Criteria: Invitae Variant Classification Sherloc (09022015). Collection method: clinical testing. Allele origin: germline.
Comment: In summary, the available evidence is currently insufficient to determine the role of this variant in disease. Therefore, it has been classified as a Variant of Uncertain Significance. Algorithms developed to predict the effect of sequence changes on RNA splicing suggest that this variant may create or strengthen a splice site. This variant has not been reported in the literature in individuals affected with PCDH15-related conditions. This sequence change falls in intron 6 of the PCDH15 gene. It does not directly change the encoded amino acid sequence of the PCDH15 protein. This variant is not present in population databases (gnomAD no frequency).

NM_001384140.1(PCDH15):c.594+9A>G

Gene: PCDH15 (protocadherin related 15; minus strand). Cytogenetic location: 10q21.1.
Variant type: single nucleotide variant.
Coding change: c.594+9A>G on transcript NM_001384140.1 (MANE Select); 9 bases into the intron after coding-DNA position 594, A replaced by G.
Molecular consequence: intron variant.
Genome position (GRCh38, 1-based): chr10:54,346,356, T>C on the plus strand (A>G on the coding strand, the complement: PCDH15 is on the minus strand). VCF-style: chr10-54346356-T-C. GRCh37 (hg19) VCF-style: chr10-56106116-T-C.
Other names: c.594+9A>G (NM_001354420.2, NM_001354429.2, NM_001142772.2 and 8 more transcripts); c.609+9A>G (NM_001142771.2, NM_001142769.3, NM_001142763.2); c.528+9A>G (NM_001354404.2, NM_001142773.2, NM_001142768.2).
Identifiers: ClinVar variation 1996489 (VCV001996489.4), dbSNP rs2547716503, ClinGen allele CA2580081937.